The following is an entry in ClinVar:

NM_000038.6(APC):c.5465_5466delinsAA (p.Val1822Glu)

Gene: APC (APC regulator of Wnt signaling pathway; plus strand). Cytogenetic location: 5q22.2.
Variant type: Indel.
Coding change: c.5465_5466delinsAA on transcript NM_000038.6 (MANE Select); coding-DNA positions 5465 to 5466, TC replaced by AA.
Protein change: p.Val1822Glu; replaces valine 1822 with glutamic acid.
Molecular consequence: missense variant.
Genome position (GRCh38, 1-based): chr5:112,841,059-112,841,060, TC replaced by AA. VCF-style: chr5-112841059-TC-AA. GRCh37 (hg19) VCF-style: chr5-112176756-TC-AA.
Other names: c.5465_5466delinsAA, p.Val1822Glu (NM_001127510.3, NM_001354895.2); c.5411_5412delinsAA, p.Val1804Glu (NM_001127511.3); c.5519_5520delinsAA, p.Val1840Glu (NM_001354896.2); c.5495_5496delinsAA, p.Val1832Glu (NM_001354897.2); c.5390_5391delinsAA, p.Val1797Glu (NM_001354898.2); c.5381_5382delinsAA, p.Val1794Glu (NM_001354899.2); c.5342_5343delinsAA, p.Val1781Glu (NM_001354900.2); c.5288_5289delinsAA, p.Val1763Glu (NM_001354901.2); and 5 more; short protein forms V1804E, V1822E, V1662E, V1696E, V1731E, V1781E, V1797E, V1539E.
Identifiers: ClinVar variation 963607 (VCV000963607.9), dbSNP rs1765958291, ClinGen allele CA1139659019.

ClinVar aggregate classification (germline): Uncertain significance (1 of 4 stars; one submission).

Conditions:
Familial adenomatous polyposis 1 (FAP1). Also called: FAMILIAL ADENOMATOUS POLYPOSIS 1, ATTENUATED; POLYPOSIS, ADENOMATOUS INTESTINAL. Identifiers: MedGen C2713442, MONDO:0021056, OMIM 175100. Disease mechanism: loss of function.

Submission:

Labcorp Genetics (formerly Invitae), Labcorp
Classification: Uncertain significance for Familial adenomatous polyposis 1. Last evaluated: 2021-12-09. Review status: criteria provided, single submitter. Criteria: Invitae Variant Classification Sherloc (09022015). Collection method: clinical testing. Allele origin: germline.
Comment: In summary, the available evidence is currently insufficient to determine the role of this variant in disease. Therefore, it has been classified as a Variant of Uncertain Significance. Algorithms developed to predict the effect of missense changes on protein structure and function are either unavailable or do not agree on the potential impact of this missense change (SIFT: "Not Available"; PolyPhen-2: "Benign"; Align-GVGD: "Not Available"). ClinVar contains an entry for this variant (Variation ID: 963607). This variant has not been reported in the literature in individuals affected with APC-related conditions. Information on the frequency of this variant in the gnomAD database is not available, as this variant may be reported differently in the database. This sequence change replaces valine, which is neutral and non-polar, with glutamic acid, which is acidic and polar, at codon 1822 of the APC protein (p.Val1822Glu).